The following is an entry in ClinVar:

NM_022835.3(PLEKHG2):c.2347G>C (p.Gly783Arg)

Gene: PLEKHG2 (pleckstrin homology and RhoGEF domain containing G2; plus strand). Cytogenetic location: 19q13.2.
Variant type: single nucleotide variant.
Coding change: c.2347G>C on transcript NM_022835.3 (MANE Select); coding-DNA position 2347, G replaced by C.
Protein change: p.Gly783Arg; replaces glycine 783 with arginine.
Molecular consequence: missense variant. On other transcripts: intron variant (1).
Genome position (GRCh38, 1-based): chr19:39,423,401, G>C. VCF-style: chr19-39423401-G-C. GRCh37 (hg19) VCF-style: chr19-39914041-G-C.
Other names: c.2170G>C, p.Gly724Arg (NM_001351693.2); c.1677+1113G>C (NM_001351694.2); c.2347G>C (NM_022835.2); short protein forms G724R, G783R.
Identifiers: ClinVar variation 1959240 (VCV001959240.4), dbSNP rs750781262, ClinGen allele CA9429753.

ClinVar aggregate classification (germline): Uncertain significance. Review status: criteria provided, multiple submitters, no conflicts (2 of 4 stars). 2 submissions from 2 submitters: Uncertain significance (2). Last evaluated 2025-08-29.

Allele frequency attached by ClinVar (database versions not stated): TOPMed below 0.00001; gnomAD 0.00001; gnomAD exomes 0.00001; ExAC 0.00004.
gnomAD v4.1: 9 of 1,610,962 alleles (0.00056%); highest among the groups gnomAD compares: Admixed American, 0.015%; no homozygotes.

Submissions (2):

Ambry Genetics
Classification: Uncertain significance. Last evaluated: 2025-08-29. Review status: criteria provided, single submitter. Criteria: Ambry Variant Classification Scheme 2023. Collection method: clinical testing. Allele origin: germline.

Labcorp Genetics (formerly Invitae), Labcorp
Classification: Uncertain significance. Last evaluated: 2023-07-07. Review status: criteria provided, single submitter. Criteria: Invitae Variant Classification Sherloc (09022015). Collection method: clinical testing. Allele origin: germline.
Comment: This sequence change replaces glycine, which is neutral and non-polar, with arginine, which is basic and polar, at codon 783 of the PLEKHG2 protein (p.Gly783Arg). In summary, the available evidence is currently insufficient to determine the role of this variant in disease. Therefore, it has been classified as a Variant of Uncertain Significance. An algorithm developed to predict the effect of missense changes on protein structure and function (PolyPhen-2) suggests that this variant is likely to be disruptive. ClinVar contains an entry for this variant (Variation ID: 1959240). This variant has not been reported in the literature in individuals affected with PLEKHG2-related conditions. This variant is present in population databases (rs750781262, gnomAD 0.02%).